The following is an entry in ClinVar:

ClinVar aggregate classification (germline): Uncertain significance (1 of 4 stars; one submission).

Conditions:
Candidiasis, familial, 6 (CANDF6). Also called: Candidiasis, familial, 6, autosomal dominant. Identifiers: Orphanet 1334, MedGen C3151405, MONDO:0013503, OMIM 613956.

gnomAD v4.1: 14 of 1,614,094 alleles (0.00087%); highest among the groups gnomAD compares: Non-Finnish European, 0.00093%; no homozygotes.

Submission:

Labcorp Genetics (formerly Invitae), Labcorp
Classification: Uncertain significance for Candidiasis, familial, 6. Last evaluated: 2025-03-31. Review status: criteria provided, single submitter. Criteria: Invitae Variant Classification Sherloc (09022015). Collection method: clinical testing. Allele origin: germline.
Comment: This sequence change replaces asparagine, which is neutral and polar, with aspartic acid, which is acidic and polar, at codon 109 of the IL17F protein (p.Asn109Asp). This variant is not present in population databases (gnomAD no frequency). This variant has not been reported in the literature in individuals affected with IL17F-related conditions. An algorithm developed to predict the effect of missense changes on protein structure and function outputs the following: PolyPhen-2: "Benign". The aspartic acid amino acid residue is found in multiple mammalian species, which suggests that this missense change does not adversely affect protein function. In summary, the available evidence is currently insufficient to determine the role of this variant in disease. Therefore, it has been classified as a Variant of Uncertain Significance.

NM_052872.4(IL17F):c.325A>G (p.Asn109Asp)

Gene: IL17F (interleukin 17F; minus strand). Cytogenetic location: 6p12.2.
Variant type: single nucleotide variant.
Coding change: c.325A>G on transcript NM_052872.4 (MANE Select); coding-DNA position 325, A replaced by G.
Protein change: p.Asn109Asp; replaces asparagine 109 with aspartic acid.
Molecular consequence: missense variant.
Genome position (GRCh38, 1-based): chr6:52,237,098, T>C on the plus strand (A>G on the coding strand, the complement: IL17F is on the minus strand). VCF-style: chr6-52237098-T-C. GRCh37 (hg19) VCF-style: chr6-52101896-T-C.
Other names: short protein forms N109D.
Identifiers: ClinVar variation 4690597 (VCV004690597.1).